The following is an entry in ClinVar:

ClinVar aggregate classification (germline): Uncertain significance (1 of 4 stars; one submission).

Conditions:
Charcot-Marie-Tooth disease type 2. Also called: Charcot-Marie-Tooth type 2. Identifiers: Orphanet 64746, MedGen C0270914, MONDO:0018993.

Submission:

Labcorp Genetics (formerly Invitae), Labcorp
Classification: Uncertain significance for Charcot-Marie-Tooth disease type 2. Last evaluated: 2024-02-05. Review status: criteria provided, single submitter. Criteria: Invitae Variant Classification Sherloc (09022015). Collection method: clinical testing. Allele origin: germline.
Comment: This sequence change replaces aspartic acid, which is acidic and polar, with asparagine, which is neutral and polar, at codon 221 of the MFN2 protein (p.Asp221Asn). This variant is not present in population databases (gnomAD no frequency). This variant has not been reported in the literature in individuals affected with MFN2-related conditions. ClinVar contains an entry for this variant (Variation ID: 1474410). Advanced modeling of protein sequence and biophysical properties (such as structural, functional, and spatial information, amino acid conservation, physicochemical variation, residue mobility, and thermodynamic stability) performed at Invitae indicates that this missense variant is expected to disrupt MFN2 protein function with a positive predictive value of 95%. In summary, the available evidence is currently insufficient to determine the role of this variant in disease. Therefore, it has been classified as a Variant of Uncertain Significance.

NM_014874.4(MFN2):c.661G>A (p.Asp221Asn)

Gene: MFN2 (mitofusin 2; plus strand). Cytogenetic location: 1p36.22.
Variant type: single nucleotide variant.
Coding change: c.661G>A on transcript NM_014874.4 (MANE Select); coding-DNA position 661, G replaced by A.
Protein change: p.Asp221Asn; replaces aspartic acid 221 with asparagine.
Molecular consequence: missense variant.
Genome position (GRCh38, 1-based): chr1:11,998,831, G>A. VCF-style: chr1-11998831-G-A. GRCh37 (hg19) VCF-style: chr1-12058888-G-A.
Other names: c.661G>A, p.Asp221Asn (NM_001127660.2); short protein forms D221N.
Identifiers: ClinVar variation 1474410 (VCV001474410.8), dbSNP rs1569842525, ClinGen allele CA338438202.